The following is an entry in ClinVar:

NM_002546.4(TNFRSF11B):c.401-5T>C

Gene: TNFRSF11B (TNF receptor superfamily member 11b; minus strand). Cytogenetic location: 8q24.12.
Variant type: single nucleotide variant.
Coding change: c.401-5T>C on transcript NM_002546.4 (MANE Select); 5 bases into the intron before coding-DNA position 401, T replaced by C.
Molecular consequence: intron variant.
Genome position (GRCh38, 1-based): chr8:118,928,934, A>G on the plus strand (T>C on the coding strand, the complement: TNFRSF11B is on the minus strand). VCF-style: chr8-118928934-A-G. GRCh37 (hg19) VCF-style: chr8-119941173-A-G.
Identifiers: ClinVar variation 196349 (VCV000196349.24), dbSNP rs3134046, ClinGen allele CA202318.

ClinVar aggregate classification (germline): Benign. Review status: criteria provided, multiple submitters, no conflicts (2 of 4 stars). 8 submissions from 8 submitters: Benign (8). Last evaluated 2026-02-04.

Conditions:
Hyperphosphatasemia with bone disease (PDB5). Also called: Paget disease of bone 5; PAGET DISEASE OF BONE 5, JUVENILE-ONSET; HYPEROSTOSIS CORTICALIS DEFORMANS JUVENILIS; HYPERPHOSPHATASEMIA, CHRONIC CONGENITAL IDIOPATHIC; HYPERPHOSPHATASIA, FAMILIAL IDIOPATHIC; Osteoectasia familial. Identifiers: Orphanet 2801, MedGen C0268414, MONDO:0009394, OMIM 239000.

Allele frequency attached by ClinVar (database versions not stated): 1000 Genomes Project 0.92372; TOPMed 0.92472; 1000 Genomes Project 30x 0.92583; gnomAD 0.93044 and 0.93049; gnomAD exomes 0.93106 and 0.94327; ExAC 0.93393; ESP Exome Variant Server 0.93664.
gnomAD v4.1: 1,520,364 of 1,613,910 alleles (94%); highest among the groups gnomAD compares: South Asian, 97%; 716,535 homozygotes.

Submissions (8):

Labcorp Genetics (formerly Invitae), Labcorp
Classification: Benign. Last evaluated: 2026-02-04. Review status: criteria provided, single submitter. Criteria: Invitae Variant Classification Sherloc (09022015). Collection method: clinical testing. Allele origin: germline.

Blueprint Genetics
Classification: Benign. Last evaluated: 2024-11-27. Review status: criteria provided, single submitter. Criteria: ACMG Guidelines, 2015. Collection method: clinical testing. Allele origin: germline.

Genome-Nilou Lab
Classification: Benign for Hyperphosphatasemia with bone disease. Last evaluated: 2021-09-10. Review status: criteria provided, single submitter. Criteria: ACMG Guidelines, 2015. Collection method: clinical testing. Allele origin: germline. Affected: no.

GeneDx
Classification: Benign. Last evaluated: 2018-11-12. Review status: criteria provided, single submitter. Criteria: GeneDx Variant Classification Process June 2021. Collection method: clinical testing. Allele origin: germline. Affected: yes.

Illumina Laboratory Services, Illumina
Classification: Benign for Hyperphosphatasemia with bone disease. Last evaluated: 2018-01-12. Review status: criteria provided, single submitter. Criteria: ICSL Variant Classification Criteria 13 December 2019. Collection method: clinical testing. Allele origin: germline.
Comment: This variant was observed in the ICSL laboratory as part of a predisposition screen in an ostensibly healthy population. It had not been previously curated by ICSL or reported in the Human Gene Mutation Database (HGMD: prior to June 1st, 2018), and was therefore a candidate for classification through an automated scoring system. Utilizing variant allele frequency, disease prevalence and penetrance estimates, and inheritance mode, an automated score was calculated to assess if this variant is too frequent to cause the disease. Based on the score and internal cut-off values, a variant classified as benign is not then subjected to further curation. The score for this variant resulted in a classification of benign for this disease.

Eurofins Ntd Llc (ga)
Classification: Benign. Last evaluated: 2016-03-07. Review status: criteria provided, single submitter. Criteria: EGL Classification Definitions 2015. Collection method: clinical testing. Allele origin: germline. Observed: 7 variant alleles, 7 homozygotes.

Breakthrough Genomics
Classification: Benign. Review status: criteria provided, single submitter. Criteria: ACMG Guidelines, 2015. Collection method: not provided. Allele origin: germline. Inheritance: Autosomal recessive inheritance. Affected: yes.

PreventionGenetics, part of Exact Sciences
Classification: Benign. Review status: criteria provided, single submitter. Criteria: ACMG Guidelines, 2015. Collection method: clinical testing. Allele origin: germline.